The following is an entry in ClinVar:

NM_000257.4(MYH7):c.1713G>A (p.Gly571=)

Gene: MYH7 (myosin heavy chain 7; minus strand). Cytogenetic location: 14q11.2.
Variant type: single nucleotide variant.
Coding change: c.1713G>A on transcript NM_000257.4 (MANE Select); coding-DNA position 1713, G replaced by A.
Protein change: p.Gly571=; no amino-acid change (glycine 571 retained).
Molecular consequence: synonymous variant.
Genome position (GRCh38, 1-based): chr14:23,427,760, C>T on the plus strand (G>A on the coding strand, the complement: MYH7 is on the minus strand). VCF-style: chr14-23427760-C-T. GRCh37 (hg19) VCF-style: chr14-23896969-C-T.
Other names: c.1713G>A, p.Gly571= (NM_001407004.1).
Identifiers: ClinVar variation 3071642 (VCV003071642.2), dbSNP rs1892752278, ClinGen allele CA485623869.

ClinVar aggregate classification (germline): Likely benign. Review status: criteria provided, multiple submitters, no conflicts (2 of 4 stars). 2 submissions from 2 submitters: Likely benign (2). Last evaluated 2025-08-11.

Conditions:
Hypertrophic cardiomyopathy. Also called: HYPERTROPHIC MYOCARDIOPATHY. Identifiers: Orphanet 217569, MedGen C0007194, MeSH D002312, MONDO:0005045, HP:0001639.
Cardiomyopathy (CMYO). Also called: Cardiomyopathies. Identifiers: Orphanet 167848, MedGen C0878544, MONDO:0004994, HP:0001638. Inheritance: Various modes of inheritance.

Allele frequency attached by ClinVar (database versions not stated): gnomAD exomes below 0.00001.
gnomAD v4.1: 1 of 1,614,184 alleles (0.000062%); highest among the groups gnomAD compares: Admixed American, 0.0017%; no homozygotes.

Submissions (2):

Labcorp Genetics (formerly Invitae), Labcorp
Classification: Likely benign for Hypertrophic cardiomyopathy. Last evaluated: 2025-08-11. Review status: criteria provided, single submitter. Criteria: Invitae Variant Classification Sherloc (09022015). Collection method: clinical testing. Allele origin: germline.

All of Us Research Program, National Institutes of Health
Classification: Likely benign for Cardiomyopathy. Last evaluated: 2023-06-08. Review status: criteria provided, single submitter. Criteria: ACMG Guidelines, 2015. Collection method: clinical testing. Allele origin: germline. Inheritance: Autosomal dominant inheritance. Observed: 1 variant allele, 1 heterozygote.
Comment: This study involves interpretation of variants in research participants for the purpose of population health screening. Participant phenotype was not available at the time of variant classification. Additional details can be found in publication PMID: 35346344, PMCID: PMC8962531